The following is an entry in ClinVar:

ClinVar aggregate classification (germline): Uncertain significance (1 of 4 stars; one submission).

Conditions:
Cardiovascular phenotype. Identifiers: MedGen CN230736.

gnomAD v4.1: 1 of 1,611,352 alleles (0.000062%); highest among the groups gnomAD compares: Non-Finnish European, 0.000085%; no homozygotes.

Submission:

Ambry Genetics
Classification: Uncertain significance for Cardiovascular phenotype. Last evaluated: 2026-01-12. Review status: criteria provided, single submitter. Criteria: Ambry Variant Classification Scheme 2023. Collection method: clinical testing. Allele origin: germline.
Comment: The p.N132T variant (also known as c.395A>C), located in coding exon 4 of the SPRED1 gene, results from an A to C substitution at nucleotide position 395. The asparagine at codon 132 is replaced by threonine, an amino acid with similar properties. This amino acid position is conserved. In addition, this alteration is predicted to be tolerated by in silico analysis. Based on the available evidence, the clinical significance of this variant remains unclear.

NM_152594.3(SPRED1):c.395A>C (p.Asn132Thr)

Gene: SPRED1 (sprouty related EVH1 domain containing 1; plus strand). Cytogenetic location: 15q14.
Variant type: single nucleotide variant.
Coding change: c.395A>C on transcript NM_152594.3 (MANE Select); coding-DNA position 395, A replaced by C.
Protein change: p.Asn132Thr; replaces asparagine 132 with threonine.
Molecular consequence: missense variant.
Genome position (GRCh38, 1-based): chr15:38,324,781, A>C. VCF-style: chr15-38324781-A-C. GRCh37 (hg19) VCF-style: chr15-38616982-A-C.
Other names: short protein forms N132T.
Identifiers: ClinVar variation 4843976 (VCV004843976.1).